The following is an entry in ClinVar:

ClinVar aggregate classification (germline): Pathogenic (1 of 4 stars; one submission).

Conditions:
Congenital sideroblastic anemia-B-cell immunodeficiency-periodic fever-developmental delay syndrome. Also called: Sideroblastic anemia with B-cell immunodeficiency, periodic fevers, and developmental delay. Identifiers: Orphanet 369861, MedGen C4015172, MONDO:0014487, OMIM 616084.

Submission:

Labcorp Genetics (formerly Invitae), Labcorp
Classification: Pathogenic for Congenital sideroblastic anemia-B-cell immunodeficiency-periodic fever-developmental delay syndrome. Last evaluated: 2021-06-05. Review status: criteria provided, single submitter. Criteria: Invitae Variant Classification Sherloc (09022015). Collection method: clinical testing. Allele origin: germline.
Comment: For these reasons, this variant has been classified as Pathogenic. This sequence change results in a premature translational stop signal in the TRNT1 gene (p.Asp348Serfs*8). While this is not anticipated to result in nonsense mediated decay, it is expected to disrupt the last 87 amino acids of the TRNT1 protein. This variant is not present in population databases (ExAC no frequency). This variant has not been reported in the literature in individuals with TRNT1-related conditions. This variant disrupts the C-terminus of the TRNT1 protein. Other variant(s) that disrupt this region (p.Ser418Lysfs*9) have been determined to be pathogenic (PMID: 29358286, 25193871, 26494905). This suggests that variants that disrupt this region of the protein are likely to be causative of disease.

Literature cited by the submitters: PubMed 29358286; PubMed 25193871; PubMed 26494905.

NM_182916.3(TRNT1):c.1038_1041dup (p.Asp348fs)

Gene: TRNT1 (tRNA nucleotidyl transferase 1; plus strand). Cytogenetic location: 3p26.2.
Variant type: Duplication.
Coding change: c.1038_1041dup on transcript NM_182916.3 (MANE Select); coding-DNA positions 1038 to 1041, 4 bases duplicated (TCAA; older notation c.1038_1041dupTCAA).
Protein change: p.Asp348fs; shifts the reading frame from aspartic acid 348.
Molecular consequence: frameshift variant. On other transcripts: non-coding transcript variant (8).
Genome position (GRCh38, 1-based): chr3:3,147,685-3,147,688, TCAA duplicated; duplicating any 4 consecutive bases within chr3:3,147,684-3,147,688 gives the same sequence; the c. name uses the placement nearest the transcript's 3' end. VCF-style (leftmost placement, unchanged base first): chr3-3147683-T-TATCA. GRCh37 (hg19) VCF-style: chr3-3189367-T-TATCA.
Other names: c.978_981dup, p.Asp328fs (NM_001302946.2); c.1038_1041dup, p.Asp348fs (NM_001367321.1, NM_001367322.1, NM_001367323.1); short protein forms D348fs, D328fs.
Identifiers: ClinVar variation 841899 (VCV000841899.6), dbSNP rs1706137764, ClinGen allele CA916082557.
Genomic context (GRCh38, chr3:3,147,683, plus strand): 5'-ATAGTTAAAAATAGGAAAGATTTAATTAAAGCAACAGATAGTTCAGACCCATTGAAACCC[T>TATCA]ATCAAGACTTCATTATAGATGTAAGTATATACTAGGCTTGGTCAGAAATATGAAGTATCG-3'